The following is an entry in ClinVar:

ClinVar aggregate classification (germline): Uncertain significance (1 of 4 stars; one submission).

Conditions:
Cardiovascular phenotype. Identifiers: MedGen CN230736.

Submission:

Ambry Genetics
Classification: Uncertain significance for Cardiovascular phenotype. Last evaluated: 2026-08-03. Review status: criteria provided, single submitter. Criteria: Ambry Variant Classification Scheme 2023. Collection method: clinical testing. Allele origin: germline.
Comment: The p.V275I variant (also known as c.823G>A), located in coding exon 1 of the KCND3 gene, results from a G to A substitution at nucleotide position 823. The valine at codon 275 is replaced by isoleucine, an amino acid with highly similar properties. This amino acid position is conserved. In addition, the in silico prediction for this alteration is inconclusive. Based on the available evidence, the clinical significance of this variant remains unclear.

NM_001378969.1(KCND3):c.823G>A (p.Val275Ile)

Gene: KCND3 (potassium voltage-gated channel subfamily D member 3; minus strand). Cytogenetic location: 1p13.2.
Variant type: single nucleotide variant.
Coding change: c.823G>A on transcript NM_001378969.1 (MANE Select); coding-DNA position 823, G replaced by A.
Protein change: p.Val275Ile; replaces valine 275 with isoleucine.
Molecular consequence: missense variant.
Genome position (GRCh38, 1-based): chr1:111,981,904, C>T on the plus strand (G>A on the coding strand, the complement: KCND3 is on the minus strand). VCF-style: chr1-111981904-C-T. GRCh37 (hg19) VCF-style: chr1-112524526-C-T.
Other names: c.823G>A, p.Val275Ile (NM_001378970.1, NM_004980.5, NM_172198.3); short protein forms V275I.
Identifiers: ClinVar variation 5022954 (VCV005022954.1).